The following continues an entry in ClinVar:

NM_000195.5(HPS1):c.1189del (p.Gln397fs)

Gene: HPS1. ClinVar aggregate classification (germline): Pathogenic/Likely pathogenic. Pathogenic (18); Likely pathogenic (1).

Submissions 14 to 23 of 23:

Broad Center for Mendelian Genomics, Broad Institute of MIT and Harvard
Classification: Pathogenic for Hermansky-Pudlak syndrome. Last evaluated: 2021-11-29. Review status: criteria provided, single submitter. Criteria: ACMG Guidelines, 2015. Collection method: curation. Allele origin: germline. Inheritance: Autosomal recessive inheritance.
Comment: The p.Gln397fs variant in HPS1 has been reported in at least 9 individuals with Hermansky-Pudlak syndrome (PMID: 31619213, 26806224, 28081892, 20514622, 9497254, 15952982), segregated with disease in 2 affected relatives from 2 families (PMID: 20514622) and has been identified in 0.01% (19/128472) of European (non-Finnish) chromosomes by the Genome Aggregation Database (gnomAD; dbSNP ID: rs281865084). Although this variant has been seen in the general population in a heterozygous state, its frequency is not high enough to rule out a pathogenic role. This variant has also been reported in ClinVar (Variation ID#: 21091) and has been interpreted as Likely Pathogenic or Pathogenic by Illumina Clinical Services Laboratory (Illumina), Centre for Mendelian Genomics (University Medical Centre Ljubljana), NIHR Bioresource Rare Diseases (University of Cambridge), Invitae, and GeneReviews. Of the at least 9 affected individuals, 2 of those were homozygotes, and 1 were compound heterozygote that carried a reported likely pathogenic variants in trans, which increases the likelihood that the p.Gln397fs variant is pathogenic (PMID: 17365864, 9497254, 20514622). This variant is predicted to cause a frameshift, which alters the protein’s amino acid sequence beginning at position 397 and leads to a premature termination codon 2 amino acids downstream. This alteration is then predicted to lead to a truncated or absent protein. Loss of function of the HPS1 gene is an established disease mechanism in autosomal recessive Hermansky-Pudlak syndrome. In summary, this variant meets criteria to be classified as pathogenic for autosomal recessive Hermansky-Pudlak syndrome. ACMG/AMP Criteria applied: PM3_strong, PVS1, PP1_moderate (Richards 2015).

Revvity Omics, Revvity
Classification: Pathogenic for Hermansky-Pudlak syndrome 1. Last evaluated: 2021-07-01. Review status: criteria provided, single submitter. Criteria: ACMG Guidelines, 2015. Collection method: clinical testing. Allele origin: germline.

Centre for Mendelian Genomics, University Medical Centre Ljubljana
Classification: Pathogenic for Hermansky-Pudlak syndrome 1. Last evaluated: 2019-09-16. Review status: criteria provided, single submitter. Criteria: ACMG Guidelines, 2015. Collection method: clinical testing. Allele origin: unknown. Affected: yes.
Comment: This variant was classified as: Pathogenic. The following ACMG criteria were applied in classifying this variant: PVS1,PS1,PM2,PM3,PP4. This variant was detected in homozygous state.

NIHR Bioresource Rare Diseases, University of Cambridge
Classification: Pathogenic for Hermansky-Pudlak syndrome. Last evaluated: 2019-02-01. Review status: criteria provided, single submitter. Criteria: ACMG Guidelines, 2015. Collection method: research. Allele origin: unknown. Affected: yes. Observed: 1 compound heterozygote. Study: ThromboGenomics.

Illumina Laboratory Services, Illumina
Classification: Likely pathogenic for Hermansky-Pudlak syndrome 1. Last evaluated: 2017-04-27. Review status: criteria provided, single submitter. Criteria: ICSL Variant Classification Criteria 09 May 2019. Collection method: clinical testing. Allele origin: germline.
Comment: The HPS1 c.1189delC (p.Gln397SerfsTer2) variant results in a frameshift and is predicted to cause a premature termination of the protein. The variant is reported in six studies in which it is found in a total of nine out of 43 individuals with Hermansky-Pudlak syndrome (HPS), including two homozygotes, one hemizygote, and six compound heterozygotes, and in four unaffected heterozygous family members (Oh et al. 1998; Shotelersuk et al. 1998; Griffin et al. 2005; Huizing et al. 2007; Sandrock et al. 2010; Westmoreland et al. 2016). Control data are unavailable for this variant, which is reported at a frequency of 0.00012 in the European (non-Finnish) population of the Exome Aggregation Consortium. Northern blot analysis of fibroblasts from the hemizygous individual showed significantly reduced HPS RNA (Shotelersuk et al. 1998). Based on the collective evidence, the p.Gln397SerfsTer2 variant is classified as pathogenic for Hermansky-Pudlak syndrome. This variant was observed by ICSL as part of a predisposition screen in an ostensibly healthy population.

Institute for Medical Genetics and Human Genetics, Charité - Universitätsmedizin Berlin
Classification: Pathogenic. Review status: criteria provided, single submitter. Criteria: ACMG Guidelines, 2015. Collection method: not provided. Allele origin: germline. Affected: yes.

Clinical Genetics DNA and cytogenetics Diagnostics Lab, Erasmus MC, Erasmus Medical Center
Classification: Pathogenic. Review status: no assertion criteria provided. Collection method: clinical testing. Allele origin: germline. Affected: yes. Study: VKGL Data-share Consensus. Not counted in ClinVar's aggregate classification.

Clinical Genetics, Academic Medical Center
Classification: Pathogenic. Review status: no assertion criteria provided. Collection method: clinical testing. Allele origin: germline. Affected: yes. Study: VKGL Data-share Consensus. Not counted in ClinVar's aggregate classification.

GeneReviews
No classification provided. Condition: Hermansky-Pudlak syndrome 1. Review status: no classification provided. Collection method: literature only. Allele origin: germline. Not counted in ClinVar's aggregate classification.

ISTH-SSC Genomics in Thrombosis and Hemostasis, KU Leuven, Center for Molecular and Vascular Biology
Classification: Pathogenic for Hermansky-Pudlak syndrome 1. Review status: no assertion criteria provided. Collection method: research. Allele origin: unknown. Affected: yes. Not counted in ClinVar's aggregate classification.
Comment: Submitted to GoldVariant by Harald Schulze from Institute of Experimental Biomedicine, University Hospital of Würzburg, Würzburg, Germany

Literature cited by the submitters: PubMed 28081892 (cited by 4 submitters); PubMed 30409369 (cited by Dasa); PubMed 31619213 (cited by Dasa and Laboratory of Genetic Epidemiology, Research Centre for Medical Genetics); PubMed 37389831 (cited by Dasa); PubMed 12442288 (cited by Labcorp Genetics (formerly Invitae), Labcorp and Pittsburgh Clinical Genomics Laboratory, University of Pittsburgh Medical Center); PubMed 16185271 (cited by Labcorp Genetics (formerly Invitae), Labcorp); PubMed 9497254 (cited by 4 submitters); PubMed 20514622 (cited by 4 submitters); PubMed 29345414 (cited by Natera, Inc.); PubMed 26806224 (cited by 3 submitters); PubMed 37647632 (cited by Laboratory of Genetic Epidemiology, Research Centre for Medical Genetics); PubMed 41428507 (cited by Laboratory of Genetic Epidemiology, Research Centre for Medical Genetics); PubMed 9705234 (cited by Pittsburgh Clinical Genomics Laboratory, University of Pittsburgh Medical Center and Illumina Laboratory Services, Illumina); PubMed 15952982 (cited by Pittsburgh Clinical Genomics Laboratory, University of Pittsburgh Medical Center and Illumina Laboratory Services, Illumina); PubMed 31064749 (cited by NIHR Bioresource Rare Diseases, University of Cambridge); PubMed 17365864 (cited by Illumina Laboratory Services, Illumina); NCBI Bookshelf NBK1287 (cited by GeneReviews).